The following is an entry in ClinVar:

ClinVar aggregate classification (germline): Uncertain significance. Review status: criteria provided, multiple submitters, no conflicts (2 of 4 stars). 2 submissions from 2 submitters: Uncertain significance (2). Last evaluated 2025-05-14.

Conditions:
Mitochondrial complex II deficiency, nuclear type 1. Also called: SUCCINATE CoQ REDUCTASE DEFICIENCY. Identifiers: Orphanet 3208, MedGen C5700310, MONDO:0100294, OMIM 252011.
Pheochromocytoma/paraganglioma syndrome 5. Also called: Paragangliomas 5; SDHA-Related Hereditary Paraganglioma-Pheochromocytoma Syndrome. Identifiers: Orphanet 29072, MedGen C3279992, MONDO:0013602, OMIM 614165.
Hereditary cancer-predisposing syndrome. Also called: Tumor predisposition; Hereditary Cancer Syndrome; Neoplastic Syndromes, Hereditary; Hereditary neoplastic syndrome. Identifiers: Orphanet 140162, MedGen C0027672, MeSH D009386, MONDO:0015356.

Allele frequency attached by ClinVar (database versions not stated): ExAC 0.00001.

Submissions (2):

Ambry Genetics
Classification: Uncertain significance for Hereditary cancer-predisposing syndrome. Last evaluated: 2025-05-14. Review status: criteria provided, single submitter. Criteria: Ambry Variant Classification Scheme 2023. Collection method: clinical testing. Allele origin: germline.
Comment: The c.1432+3A>G intronic variant results from an A to G substitution 3 nucleotides after coding exon 10 in the SDHA gene. This nucleotide position is not well conserved in available vertebrate species. In silico splice site analysis predicts that this alteration will not have any significant effect on splicing. Based on the available evidence, the clinical significance of this variant remains unclear.

Labcorp Genetics (formerly Invitae), Labcorp
Classification: Uncertain significance for Pheochromocytoma/paraganglioma syndrome 5; Mitochondrial complex II deficiency, nuclear type 1. Last evaluated: 2025-03-26. Review status: criteria provided, single submitter. Criteria: Invitae Variant Classification Sherloc (09022015). Collection method: clinical testing. Allele origin: germline.
Comment: This sequence change falls in intron 10 of the SDHA gene. It does not directly change the encoded amino acid sequence of the SDHA protein. It affects a nucleotide within the consensus splice site. This variant is present in population databases (rs775537729, gnomAD 0.007%). This variant has not been reported in the literature in individuals affected with SDHA-related conditions. ClinVar contains an entry for this variant (Variation ID: 2922415). Variants that disrupt the consensus splice site are a relatively common cause of aberrant splicing (PMID: 17576681, 9536098). Algorithms developed to predict the effect of sequence changes on RNA splicing suggest that this variant is not likely to affect RNA splicing. In summary, the available evidence is currently insufficient to determine the role of this variant in disease. Therefore, it has been classified as a Variant of Uncertain Significance.

Literature cited by the submitters: PubMed 17576681 (cited by Labcorp Genetics (formerly Invitae), Labcorp); PubMed 9536098 (cited by Labcorp Genetics (formerly Invitae), Labcorp).

NM_004168.4(SDHA):c.1432+3A>G

Gene: SDHA (succinate dehydrogenase complex flavoprotein subunit A; plus strand). Cytogenetic location: 5p15.33.
Variant type: single nucleotide variant.
Coding change: c.1432+3A>G on transcript NM_004168.4 (MANE Select); 3 bases into the intron after coding-DNA position 1432, A replaced by G.
Molecular consequence: intron variant.
Genome position (GRCh38, 1-based): chr5:236,602, A>G. VCF-style: chr5-236602-A-G. GRCh37 (hg19) VCF-style: chr5-236717-A-G.
Other names: c.1432+3A>G (NM_004168.2, NM_001330758.2); c.1288+3A>G (NM_001294332.2).
Identifiers: ClinVar variation 2922415 (VCV002922415.4), dbSNP rs775537729, ClinGen allele CA3173228.